The following is an entry in ClinVar:

ClinVar aggregate classification (germline): Benign (1 of 4 stars; one submission).

Conditions:
Familial adenomatous polyposis 1 (FAP1). Also called: FAMILIAL ADENOMATOUS POLYPOSIS 1, ATTENUATED; POLYPOSIS, ADENOMATOUS INTESTINAL. Identifiers: MedGen C2713442, MONDO:0021056, OMIM 175100. Disease mechanism: loss of function.

gnomAD v4.1: 1 of 1,613,798 alleles (0.000062%); highest among the groups gnomAD compares: Non-Finnish European, 0.000085%; no homozygotes.

Submission:

Myriad Genetics, Inc.
Classification: Benign for Familial adenomatous polyposis 1. Last evaluated: 2024-04-01. Review status: criteria provided, single submitter. Criteria: Myriad Autosomal Dominant, Autosomal Recessive and X-Linked Classification Criteria (2023). Collection method: clinical testing. Allele origin: unknown.
Comment: This variant is considered benign. This variant is a silent/synonymous amino acid change and it is not expected to impact splicing.

NM_000038.6(APC):c.5340A>T (p.Pro1780=)

Gene: APC (APC regulator of Wnt signaling pathway; plus strand). Cytogenetic location: 5q22.2.
Variant type: single nucleotide variant.
Coding change: c.5340A>T on transcript NM_000038.6 (MANE Select); coding-DNA position 5340, A replaced by T.
Protein change: p.Pro1780=; no amino-acid change (proline 1780 retained).
Molecular consequence: synonymous variant. On other transcripts: non-coding transcript variant (2).
Genome position (GRCh38, 1-based): chr5:112,840,934, A>T. VCF-style: chr5-112840934-A-T. GRCh37 (hg19) VCF-style: chr5-112176631-A-T.
Other names: c.5340A>T, p.Pro1780= (NM_001127510.3, NM_001354895.2, NM_001407450.1); c.5286A>T, p.Pro1762= (NM_001127511.3); c.5394A>T, p.Pro1798= (NM_001354896.2, NM_001407447.1, NM_001407448.1 and 1 more transcripts); c.5370A>T, p.Pro1790= (NM_001354897.2); c.5265A>T, p.Pro1755= (NM_001354898.2); c.5256A>T, p.Pro1752= (NM_001354899.2); c.5217A>T, p.Pro1739= (NM_001354900.2); c.5163A>T, p.Pro1721= (NM_001354901.2, NM_001407453.1); and 11 more.
Identifiers: ClinVar variation 3254144 (VCV003254144.1), dbSNP rs2149937895.